The following is an entry in ClinVar:

NM_002691.4(POLD1):c.250C>A (p.Pro84Thr)

Gene: POLD1 (DNA polymerase delta 1, catalytic subunit; plus strand). Cytogenetic location: 19q13.33.
Variant type: single nucleotide variant.
Coding change: c.250C>A on transcript NM_002691.4 (MANE Select); coding-DNA position 250, C replaced by A.
Protein change: p.Pro84Thr; replaces proline 84 with threonine.
Molecular consequence: missense variant. On other transcripts: non-coding transcript variant (1).
Genome position (GRCh38, 1-based): chr19:50,399,418, C>A. VCF-style: chr19-50399418-C-A. GRCh37 (hg19) VCF-style: chr19-50902675-C-A.
Other names: c.250C>A, p.Pro84Thr (NM_001256849.1, NM_001308632.1); short protein forms P84T.
Identifiers: ClinVar variation 1010197 (VCV001010197.8), dbSNP rs1417698677, ClinGen allele CA406970466.

ClinVar aggregate classification (germline): Uncertain significance (1 of 4 stars; one submission).

Conditions:
POLD1-related polyposis and colorectal cancer syndrome (CRCS10). Also called: Colorectal cancer 10; COLORECTAL CANCER, SUSCEPTIBILITY TO, ON CHROMOSOME 19q; Colorectal cancer, susceptibility to, 10. Identifiers: Orphanet 220460, MedGen C2675481, MONDO:0012953, OMIM 612591.

Submission:

Labcorp Genetics (formerly Invitae), Labcorp
Classification: Uncertain significance for POLD1-related polyposis and colorectal cancer syndrome. Last evaluated: 2020-07-02. Review status: criteria provided, single submitter. Criteria: Invitae Variant Classification Sherloc (09022015). Collection method: clinical testing. Allele origin: germline.
Comment: In summary, the available evidence is currently insufficient to determine the role of this variant in disease. Therefore, it has been classified as a Variant of Uncertain Significance. Algorithms developed to predict the effect of missense changes on protein structure and function (SIFT, PolyPhen-2, Align-GVGD) all suggest that this variant is likely to be tolerated, but these predictions have not been confirmed by published functional studies and their clinical significance is uncertain. This variant has not been reported in the literature in individuals with POLD1-related conditions. This variant is not present in population databases (ExAC no frequency). This sequence change replaces proline with threonine at codon 84 of the POLD1 protein (p.Pro84Thr). The proline residue is weakly conserved and there is a small physicochemical difference between proline and threonine.